The following is an entry in ClinVar:

ClinVar aggregate classification (germline): Uncertain significance (1 of 4 stars; one submission).

Conditions:
Inborn genetic diseases. Identifiers: MedGen C0950123, MeSH D030342.

Submission:

Ambry Genetics
Classification: Uncertain significance for Inborn genetic diseases. Last evaluated: 2025-08-31. Review status: criteria provided, single submitter. Criteria: Ambry Variant Classification Scheme 2023. Collection method: clinical testing. Allele origin: germline.
Comment: The p.H97P variant (also known as c.290A>C), located in coding exon 1 of the FANCM gene, results from an A to C substitution at nucleotide position 290. The histidine at codon 97 is replaced by proline, an amino acid with similar properties. This amino acid position is conserved. In addition, this alteration is predicted to be tolerated by in silico analysis. Based on the available evidence, the clinical significance of this variant remains unclear.

NM_020937.4(FANCM):c.290A>C (p.His97Pro)

Gene: FANCM (FA complementation group M; plus strand). Cytogenetic location: 14q21.2.
Variant type: single nucleotide variant.
Coding change: c.290A>C on transcript NM_020937.4 (MANE Select); coding-DNA position 290, A replaced by C.
Protein change: p.His97Pro; replaces histidine 97 with proline.
Molecular consequence: missense variant.
Genome position (GRCh38, 1-based): chr14:45,136,321, A>C. VCF-style: chr14-45136321-A-C. GRCh37 (hg19) VCF-style: chr14-45605524-A-C.
Other names: c.290A>C, p.His97Pro (NM_001308133.2, NM_001308134.2); short protein forms H97P.
Identifiers: ClinVar variation 4254728 (VCV004254728.1).